The following is an entry in ClinVar:

NM_001330574.2(ZNF711):c.1928A>G (p.His643Arg)

Gene: ZNF711 (zinc finger protein 711; plus strand). Cytogenetic location: Xq21.1.
Variant type: single nucleotide variant.
Coding change: c.1928A>G on transcript NM_001330574.2 (MANE Select); coding-DNA position 1928, A replaced by G.
Protein change: p.His643Arg; replaces histidine 643 with arginine.
Molecular consequence: missense variant.
Genome position (GRCh38, 1-based): chrX:85,271,332, A>G. VCF-style: chrX-85271332-A-G. GRCh37 (hg19) VCF-style: chrX-84526338-A-G.
Other names: c.1928A>G, p.His643Arg (NM_001375431.1, NM_001375432.1, NM_001375433.1); c.1790A>G, p.His597Arg (NM_001375434.1, NM_001375435.1, NM_001375436.1 and 2 more transcripts); short protein forms H597R, H643R.
Identifiers: ClinVar variation 2580794 (VCV002580794.1), dbSNP rs769213877, ClinGen allele CA10464813.

ClinVar aggregate classification (germline): Uncertain significance (1 of 4 stars; one submission).

Allele frequency attached by ClinVar (database versions not stated): ExAC 0.00001; gnomAD exomes 0.00001; TOPMed 0.00001.
gnomAD v4.1: 8 of 1,210,753 alleles (0.00066%); highest among the groups gnomAD compares: African/African-American, 0.0017%; no homozygotes.

Submission:

GeneDx
Classification: Uncertain significance. Last evaluated: 2023-09-23. Review status: criteria provided, single submitter. Criteria: GeneDx Variant Classification Process June 2021. Collection method: clinical testing. Allele origin: germline. Affected: yes.
Comment: In silico analysis supports that this missense variant has a deleterious effect on protein structure/function; Has not been previously published as pathogenic or benign to our knowledge